The following is an entry in ClinVar:

NM_000179.3(MSH6):c.989C>T (p.Ser330Leu)

Gene: MSH6 (mutS homolog 6; plus strand). Cytogenetic location: 2p16.3.
Variant type: single nucleotide variant.
Coding change: c.989C>T on transcript NM_000179.3 (MANE Select); coding-DNA position 989, C replaced by T.
Protein change: p.Ser330Leu; replaces serine 330 with leucine.
Molecular consequence: missense variant.
Genome position (GRCh38, 1-based): chr2:47,798,972, C>T. VCF-style: chr2-47798972-C-T. GRCh37 (hg19) VCF-style: chr2-48026111-C-T.
Other names: c.599C>T, p.Ser200Leu (NM_001281492.2); c.83C>T, p.Ser28Leu (NM_001281493.2, NM_001281494.2); short protein forms S330L, S28L, S200L.
Identifiers: ClinVar variation 568744 (VCV000568744.16), dbSNP rs786202848, ClinGen allele CA346741097.
Genomic context (GRCh38, chr2:47,798,972, plus strand): 5'-TTAAAAGGAAAAGCTCTAGGAAGGAAACGCCCTCAGCCACCAAACAAGCAACTAGCATTT[C>T]ATCAGAAACCAAGAATACTTTGAGAGCTTTCTCTGCCCCTCAAAATTCTGAATCCCAAGC-3'
Protein context (NP_000170.1, residues 320-340): PSATKQATSI[Ser330Leu]SETKNTLRAF

ClinVar aggregate classification (germline): Uncertain significance. Review status: criteria provided, multiple submitters, no conflicts (2 of 4 stars). 2 submissions from 2 submitters: Uncertain significance (2). Last evaluated 2025-11-25.

Conditions:
Hereditary nonpolyposis colorectal neoplasms. Identifiers: MedGen C0009405, MeSH D003123.
Hereditary cancer-predisposing syndrome. Also called: Neoplastic Syndromes, Hereditary; Tumor predisposition; Hereditary neoplastic syndrome; Hereditary Cancer Syndrome. Identifiers: Orphanet 140162, MedGen C0027672, MeSH D009386, MONDO:0015356.

Submissions (2):

Labcorp Genetics (formerly Invitae), Labcorp
Classification: Uncertain significance for Hereditary nonpolyposis colorectal neoplasms. Last evaluated: 2025-11-25. Review status: criteria provided, single submitter. Criteria: Invitae Variant Classification Sherloc (09022015). Collection method: clinical testing. Allele origin: germline.
Comment: This sequence change replaces serine, which is neutral and polar, with leucine, which is neutral and non-polar, at codon 330 of the MSH6 protein (p.Ser330Leu). This variant is not present in population databases (gnomAD no frequency). This variant has not been reported in the literature in individuals affected with MSH6-related conditions. ClinVar contains an entry for this variant (Variation ID: 568744). Invitae Evidence Modeling of protein sequence and biophysical properties (such as structural, functional, and spatial information, amino acid conservation, physicochemical variation, residue mobility, and thermodynamic stability) indicates that this missense variant is not expected to disrupt MSH6 protein function with a negative predictive value of 95%. In summary, the available evidence is currently insufficient to determine the role of this variant in disease. Therefore, it has been classified as a Variant of Uncertain Significance.

Ambry Genetics
Classification: Uncertain significance for Hereditary cancer-predisposing syndrome. Last evaluated: 2018-04-30. Review status: criteria provided, single submitter. Criteria: Ambry Variant Classification Scheme 2023. Collection method: clinical testing. Allele origin: germline.
Comment: The p.S330L variant (also known as c.989C>T), located in coding exon 4 of the MSH6 gene, results from a C to T substitution at nucleotide position 989. The serine at codon 330 is replaced by leucine, an amino acid with dissimilar properties. This amino acid position is not well conserved in available vertebrate species. In addition, this alteration is predicted to be tolerated by in silico analysis. In addition, the CoDP in silico tool predicts this alteration to have minor impact on molecular function, with a score of 0.000 (Terui H et al. J. Biomed. Sci. 2013 Apr;20:25). Since supporting evidence is limited at this time, the clinical significance of this alteration remains unclear.